The following is an entry in ClinVar:

ClinVar aggregate classification (germline): Uncertain significance (1 of 4 stars; one submission).

Conditions:
Birt-Hogg-Dube syndrome. Also called: Birt Hogg Dubé syndrome. Identifiers: Orphanet 122, MedGen C0346010, MONDO:0800444.

gnomAD v4.1: 1 of 1,613,846 alleles (0.000062%); highest among the groups gnomAD compares: Non-Finnish European, 0.000085%; no homozygotes.

Submission:

Labcorp Genetics (formerly Invitae), Labcorp
Classification: Uncertain significance for Birt-Hogg-Dube syndrome. Last evaluated: 2025-01-06. Review status: criteria provided, single submitter. Criteria: Invitae Variant Classification Sherloc (09022015). Collection method: clinical testing. Allele origin: germline.
Comment: This sequence change replaces alanine, which is neutral and non-polar, with glycine, which is neutral and non-polar, at codon 163 of the FLCN protein (p.Ala163Gly). This variant is not present in population databases (gnomAD no frequency). This variant has not been reported in the literature in individuals affected with FLCN-related conditions. Invitae Evidence Modeling of protein sequence and biophysical properties (such as structural, functional, and spatial information, amino acid conservation, physicochemical variation, residue mobility, and thermodynamic stability) indicates that this missense variant is expected to disrupt FLCN protein function with a positive predictive value of 80%. In summary, the available evidence is currently insufficient to determine the role of this variant in disease. Therefore, it has been classified as a Variant of Uncertain Significance.

NM_144997.7(FLCN):c.488C>G (p.Ala163Gly)

Gene: FLCN (folliculin; minus strand). Cytogenetic location: 17p11.2.
Variant type: single nucleotide variant.
Coding change: c.488C>G on transcript NM_144997.7 (MANE Select); coding-DNA position 488, C replaced by G.
Protein change: p.Ala163Gly; replaces alanine 163 with glycine.
Molecular consequence: missense variant.
Genome position (GRCh38, 1-based): chr17:17,224,052, G>C on the plus strand (C>G on the coding strand, the complement: FLCN is on the minus strand). VCF-style: chr17-17224052-G-C. GRCh37 (hg19) VCF-style: chr17-17127366-G-C.
Other names: c.542C>G, p.Ala181Gly (NM_001353229.2); c.488C>G, p.Ala163Gly (NM_001353230.2, NM_001353231.2, NM_144606.7); short protein forms A181G, A163G.
Identifiers: ClinVar variation 3710328 (VCV003710328.2).